The following is an entry in ClinVar:

NM_018489.3(ASH1L):c.1223T>C (p.Leu408Pro)

Gene: ASH1L (ASH1 like histone lysine methyltransferase; minus strand). Cytogenetic location: 1q22.
Variant type: single nucleotide variant.
Coding change: c.1223T>C on transcript NM_018489.3 (MANE Select); coding-DNA position 1223, T replaced by C.
Protein change: p.Leu408Pro; replaces leucine 408 with proline.
Molecular consequence: missense variant.
Genome position (GRCh38, 1-based): chr1:155,481,647, A>G on the plus strand (T>C on the coding strand, the complement: ASH1L is on the minus strand). VCF-style: chr1-155481647-A-G. GRCh37 (hg19) VCF-style: chr1-155451438-A-G.
Other names: c.1223T>C, p.Leu408Pro (NM_001366177.2); short protein forms L408P.
Identifiers: ClinVar variation 3250506 (VCV003250506.18), dbSNP rs760921805.
Genomic context (GRCh38, chr1:155,481,647, plus strand): 5'-GCTTCGGCTTTAAGGTTTATGGCATCTTTACTGATCAGACCTGCCAAAGGACAACTCATT[A>G]GTTTCTTTCCAATGTCCTTATTAACCAATCCCATTGCTGAACTTGCTACAATCTTCTTTG-3'
Protein context (NP_060959.2, residues 398-418): GLVNKDIGKK[Leu408Pro]MSCPLAGLIS

ClinVar aggregate classification (germline): Likely benign (1 of 4 stars; one submission).

Allele frequency attached by ClinVar (database versions not stated): gnomAD exomes 0.00002; ExAC 0.00003; gnomAD 0.00003.
gnomAD v4.1: 29 of 1,614,020 alleles (0.0018%); highest among the groups gnomAD compares: Non-Finnish European, 0.00034%; no homozygotes.

Submission:

CeGaT Center for Human Genetics Tuebingen
Classification: Likely benign. Last evaluated: 2024-06-01. Review status: criteria provided, single submitter. Criteria: CeGaT Center For Human Genetics Tuebingen Variant Classification Criteria Version 2. Collection method: clinical testing. Allele origin: germline. Affected: yes. Observed: 1 variant allele.
Comment: ASH1L: BP4